The following is an entry in ClinVar:

ClinVar aggregate classification (germline): Pathogenic (1 of 4 stars; one submission).

Conditions:
Congenital myasthenic syndrome 8. Also called: Myasthenic syndrome, congenital, 8, with pre- and postsynaptic defects; MYASTHENIC SYNDROME, CONGENITAL, DUE TO AGRIN DEFICIENCY. Identifiers: Orphanet 590, MedGen C3808739, MONDO:0014052, OMIM 615120.

Submission:

Labcorp Genetics (formerly Invitae), Labcorp
Classification: Pathogenic for Congenital myasthenic syndrome 8. Last evaluated: 2022-08-19. Review status: criteria provided, single submitter. Criteria: Invitae Variant Classification Sherloc (09022015). Collection method: clinical testing. Allele origin: germline.
Comment: This sequence change creates a premature translational stop signal (p.Trp1463*) in the AGRN gene. It is expected to result in an absent or disrupted protein product. Loss-of-function variants in AGRN are known to be pathogenic (PMID: 24951643). This variant is not present in population databases (gnomAD no frequency). This variant has not been reported in the literature in individuals affected with AGRN-related conditions. For these reasons, this variant has been classified as Pathogenic.

Literature cited by the submitters: PubMed 24951643.

NM_198576.4(AGRN):c.4389G>A (p.Trp1463Ter)

Gene: AGRN (agrin; plus strand). Cytogenetic location: 1p36.33.
Variant type: single nucleotide variant.
Coding change: c.4389G>A on transcript NM_198576.4 (MANE Select); coding-DNA position 4389, G replaced by A.
Protein change: p.Trp1463Ter; replaces tryptophan 1463 with a stop codon.
Molecular consequence: nonsense.
Genome position (GRCh38, 1-based): chr1:1,049,326, G>A. VCF-style: chr1-1049326-G-A. GRCh37 (hg19) VCF-style: chr1-984706-G-A.
Other names: c.4389G>A, p.Trp1463Ter (NM_001305275.2); c.4074G>A, p.Trp1358Ter (NM_001364727.2); short protein forms W1463*, W1358*.
Identifiers: ClinVar variation 1925037 (VCV001925037.5), dbSNP rs1410313655, ClinGen allele CA337777241.